The following is an entry in ClinVar:

ClinVar aggregate classification (germline): Conflicting classifications of pathogenicity. Review status: criteria provided, conflicting classifications (1 of 4 stars). 4 submissions from 4 submitters: Uncertain significance (2); Likely benign (1). 1 of the submissions does not count toward it. Last evaluated 2023-08-23.

Conditions:
DNMT3B-related disorder. Also called: DNMT3B-related condition.
Centromeric instability of chromosomes 1,9 and 16 and immunodeficiency (ICF1). Also called: Immunodeficiency-centromeric instability-facial anomalies; CENTROMERIC INSTABILITY, IMMUNODEFICIENCY SYNDROME; IMMUNE DEFICIENCY, VARIABLE, WITH CENTROMERIC INSTABILITY OF CHROMOSOMES 1, 9, AND 16; IMMUNODEFICIENCY SYNDROME, VARIABLE. Identifiers: Orphanet 2268, MedGen C0398788, MONDO:0000133.

Allele frequency attached by ClinVar (database versions not stated): gnomAD 0.00002 and 0.00003; gnomAD exomes 0.00005 and 0.00015; TOPMed 0.00008; ExAC 0.00009.
gnomAD v4.1: 83 of 1,613,942 alleles (0.0051%); highest among the groups gnomAD compares: East Asian, 0.14%; no homozygotes.

Submissions (4):

Blueprint Genetics
Classification: Likely benign. Last evaluated: 2023-08-23. Review status: criteria provided, single submitter. Criteria: ACMG Guidelines, 2015. Collection method: clinical testing. Allele origin: germline.

Women's Health and Genetics/Laboratory Corporation of America, LabCorp
Classification: Uncertain significance. Last evaluated: 2023-02-11. Review status: criteria provided, single submitter. Criteria: LabCorp Variant Classification Summary - May 2015. Collection method: clinical testing. Allele origin: germline.

Labcorp Genetics (formerly Invitae), Labcorp
Classification: Uncertain significance for Centromeric instability of chromosomes 1,9 and 16 and immunodeficiency. Last evaluated: 2022-08-16. Review status: criteria provided, single submitter. Criteria: Invitae Variant Classification Sherloc (09022015). Collection method: clinical testing. Allele origin: germline.
Comment: This sequence change falls in intron 12 of the DNMT3B gene. It does not directly change the encoded amino acid sequence of the DNMT3B protein. It affects a nucleotide within the consensus splice site. This variant is present in population databases (rs755091404, gnomAD 0.2%). This variant has not been reported in the literature in individuals affected with DNMT3B-related conditions. ClinVar contains an entry for this variant (Variation ID: 1055007). Variants that disrupt the consensus splice site are a relatively common cause of aberrant splicing (PMID: 17576681, 9536098). Algorithms developed to predict the effect of sequence changes on RNA splicing suggest that this variant is not likely to affect RNA splicing. In summary, the available evidence is currently insufficient to determine the role of this variant in disease. Therefore, it has been classified as a Variant of Uncertain Significance.

PreventionGenetics, part of Exact Sciences
Classification: Likely benign for DNMT3B-related condition. Last evaluated: 2019-07-31. Review status: no assertion criteria provided. Collection method: clinical testing. Allele origin: germline. Not counted in ClinVar's aggregate classification.
Comment: This variant is classified as likely benign based on ACMG/AMP sequence variant interpretation guidelines (Richards et al. 2015 PMID: 25741868, with internal and published modifications).

Literature cited by the submitters: PubMed 17576681 (cited by Labcorp Genetics (formerly Invitae), Labcorp); PubMed 9536098 (cited by Labcorp Genetics (formerly Invitae), Labcorp).

NM_006892.4(DNMT3B):c.1297+6G>A

Gene: DNMT3B (DNA methyltransferase 3 beta; plus strand). Cytogenetic location: 20q11.21.
Variant type: single nucleotide variant.
Coding change: c.1297+6G>A on transcript NM_006892.4 (MANE Select); 6 bases into the intron after coding-DNA position 1297, G replaced by A.
Molecular consequence: intron variant.
Genome position (GRCh38, 1-based): chr20:32,795,700, G>A. VCF-style: chr20-32795700-G-A. GRCh37 (hg19) VCF-style: chr20-31383506-G-A.
Other names: c.1297+6G>A (NM_006892.3); c.1237+6G>A (NM_175848.2, NM_175849.2); c.1111+6G>A (NM_001207055.2); c.1009+6G>A (NM_001207056.2); c.1273+6G>A (NM_175850.3).
Identifiers: ClinVar variation 1055007 (VCV001055007.7), dbSNP rs755091404, ClinGen allele CA9810503.
Genomic context (GRCh38, chr20:32,795,700, plus strand): 5'-TTCTCAATAGAACAAATGGCTTCAGATGTTGCCAACAACAAGAGCAGCCTGGAAGGTAAC[G>A]TTCTCTCCCTCCCAGTCATCCCCCTCACACCCTGGCTAGGGCTCTAGGCCTGCCTTGTCC-3'